The following is an entry in ClinVar:

ClinVar aggregate classification (germline): Uncertain significance (1 of 4 stars; one submission).

Conditions:
Cardiovascular phenotype. Identifiers: MedGen CN230736.

Submission:

Ambry Genetics
Classification: Uncertain significance for Cardiovascular phenotype. Last evaluated: 2025-04-24. Review status: criteria provided, single submitter. Criteria: Ambry Variant Classification Scheme 2023. Collection method: clinical testing. Allele origin: germline.
Comment: The p.V1144E variant (also known as c.3431T>A), located in coding exon 6 of the ALPK3 gene, results from a T to A substitution at nucleotide position 3431. The valine at codon 1144 is replaced by glutamic acid, an amino acid with dissimilar properties. This amino acid position is conserved. In addition, this alteration is predicted to be tolerated by in silico analysis. Since supporting evidence is limited at this time, the clinical significance of this alteration remains unclear.

NM_020778.5(ALPK3):c.2825T>A (p.Val942Glu)

Gene: ALPK3 (alpha kinase 3; plus strand). Cytogenetic location: 15q25.3.
Variant type: single nucleotide variant.
Coding change: c.2825T>A on transcript NM_020778.5 (MANE Select); coding-DNA position 2825, T replaced by A.
Protein change: p.Val942Glu; replaces valine 942 with glutamic acid.
Molecular consequence: missense variant.
Genome position (GRCh38, 1-based): chr15:84,857,563, T>A. VCF-style: chr15-84857563-T-A. GRCh37 (hg19) VCF-style: chr15-85400794-T-A.
Other names: short protein forms V942E.
Identifiers: ClinVar variation 1731383 (VCV001731383.3), dbSNP rs1567093792, ClinGen allele CA393358510.
Genomic context (GRCh38, chr15:84,857,563, plus strand): 5'-GTCACCCACCAGAAACCATGGCCACCAGCAGTGAGGGGGCCTGCGCCCAGGTACCAGATG[T>A]GGAGGGGCGGACCCCAGGTCCCCGGAGCTGTGACCCTGGCCTCATAGATTCCCTGAAGAA-3'
Protein context (NP_065829.4, residues 932-952): SEGACAQVPD[Val942Glu]EGRTPGPRSC